The following is an entry in ClinVar:

ClinVar aggregate classification (germline): Likely benign (1 of 4 stars; one submission).

gnomAD v4.1: 187 of 1,614,006 alleles (0.012%); highest among the groups gnomAD compares: Non-Finnish European, 0.0019%; 1 homozygote.

Submission:

CeGaT Center for Human Genetics Tuebingen
Classification: Likely benign. Last evaluated: 2026-09-01. Review status: criteria provided, single submitter. Criteria: CeGaT Center For Human Genetics Tuebingen Variant Classification Criteria Version 2. Collection method: clinical testing. Allele origin: germline. Affected: yes. Observed: 1 variant allele.
Comment: PRORP: BP4, BP7

NM_014672.4(PRORP):c.525C>T (p.Tyr175=)

Genes: PRORP (protein only RNase P catalytic subunit; plus strand), PRORP-PSMA6 (PRORP-PSMA6 readthrough; plus strand). Cytogenetic location: 14q13.2.
Variant type: single nucleotide variant.
Coding change: c.525C>T on transcript NM_014672.4 (MANE Select); coding-DNA position 525, C replaced by T.
Protein change: p.Tyr175=; no amino-acid change (tyrosine 175 retained).
Molecular consequence: synonymous variant. On other transcripts: non-coding transcript variant (4), intron variant (2).
Genome position (GRCh38, 1-based): chr14:35,123,770, C>T. VCF-style: chr14-35123770-C-T. GRCh37 (hg19) VCF-style: chr14-35592976-C-T.
Other names: c.525C>T, p.Tyr175= (NM_001256678.2, NM_001414503.1); c.240C>T, p.Tyr80= (NM_001256679.2); c.-131+860C>T (NM_001256680.2); c.-83+860C>T (NM_001256681.2).
Identifiers: ClinVar variation 5041018 (VCV005041018.1).
Genomic context (GRCh38, chr14:35,123,770, plus strand): 5'-AGATGTGGCTAAATCTCTGCTGGCATGGGTAGCAGCCAAAAATAATGGTATTGTAAGTTA[C>T]GATTTACTGGTCAAGTATTTGTATCTCTGTGTCTTTCATATGCAGACATCTGAAGTTATT-3'
Protein context (NP_055487.2, residues 165-185): VAAKNNGIVS[Tyr175=]DLLVKYLYLC